The following is an entry in ClinVar:

ClinVar aggregate classification (germline): Likely pathogenic (1 of 4 stars; one submission).

Conditions:
AUTS2-related disorder. Also called: AUTS2-related condition.

Submission:

PreventionGenetics, part of Exact Sciences
Classification: Likely pathogenic for AUTS2-related condition. Last evaluated: 2023-02-09. Review status: criteria provided, single submitter. Criteria: ACMG Guidelines, 2015. Collection method: clinical testing. Allele origin: germline.
Comment: The AUTS2 c.1437_1446del10 variant is predicted to result in a frameshift and premature protein termination (p.Ala480Argfs*16). To our knowledge, this variant has not been reported in the literature or in a large population database, indicating this variant is rare. Frameshift variants in AUTS2 are expected to be pathogenic. This variant is interpreted as likely pathogenic.

NM_015570.4(AUTS2):c.1437_1446del (p.Ala480fs)

Gene: AUTS2 (activator of transcription and developmental regulator AUTS2; plus strand). Cytogenetic location: 7q11.22.
Variant type: Deletion.
Coding change: c.1437_1446del on transcript NM_015570.4 (MANE Select); coding-DNA positions 1437 to 1446, 10 bases deleted (GGCCGGACAC; older notation c.1437_1446delGGCCGGACAC).
Protein change: p.Ala480fs; shifts the reading frame from alanine 480.
Molecular consequence: frameshift variant.
Genome position (GRCh38, 1-based): chr7:70,764,974-70,764,983, GGCCGGACAC deleted. VCF-style (leftmost placement, unchanged base first): chr7-70764973-TGGCCGGACAC-T. GRCh37 (hg19) VCF-style: chr7-70229959-TGGCCGGACAC-T.
Other names: c.1437_1446del, p.Ala480fs (NM_001127231.3); short protein forms A480fs.
Identifiers: ClinVar variation 2630481 (VCV002630481.1), dbSNP rs2484667150, ClinGen allele CA2695198488.
Genomic context (GRCh38, chr7:70,764,973, plus strand): 5'-TGTTTGCCCCTCCCACTGCTCTGCCTCCTCCACCACCACTGACATCAGGAAGTCTGCAGG[TGGCCGGACAC>T]CCGGCCGGGAGCACTTACTCAGGTAGGACGGAGGGGCCTGTGCTCGTGACCCCGACCCCC-3'